The following is an entry in ClinVar:

ClinVar aggregate classification (germline): Uncertain significance (1 of 4 stars; one submission).

Conditions:
Hypertrophic cardiomyopathy. Also called: HYPERTROPHIC MYOCARDIOPATHY. Identifiers: Orphanet 217569, MedGen C0007194, MeSH D002312, MONDO:0005045, HP:0001639.

Submission:

Labcorp Genetics (formerly Invitae), Labcorp
Classification: Uncertain significance for Hypertrophic cardiomyopathy. Last evaluated: 2022-10-07. Review status: criteria provided, single submitter. Criteria: Invitae Variant Classification Sherloc (09022015). Collection method: clinical testing. Allele origin: germline.
Comment: This variant, c.432_437dup, results in the insertion of 2 amino acid(s) of the TNNI3 protein (p.Arg145_Arg146dup), but otherwise preserves the integrity of the reading frame. This variant is not present in population databases (gnomAD no frequency). This variant has been observed in individual(s) with clinical features of hypertrophic cardiomyopathy (Invitae). ClinVar contains an entry for this variant (Variation ID: 962897). Experimental studies and prediction algorithms are not available or were not evaluated, and the functional significance of this variant is currently unknown. In summary, the available evidence is currently insufficient to determine the role of this variant in disease. Therefore, it has been classified as a Variant of Uncertain Significance.

NM_000363.5(TNNI3):c.432_437dup (p.Arg145_Arg146dup)

Gene: TNNI3 (troponin I3, cardiac type; minus strand). Cytogenetic location: 19q13.42.
Variant type: Duplication.
Coding change: c.432_437dup on transcript NM_000363.5 (MANE Select); coding-DNA positions 432 to 437, 6 bases duplicated (GCGGAG; older notation c.432_437dupGCGGAG).
Protein change: p.Arg145_Arg146dup.
Molecular consequence: inframe insertion.
Genome position (GRCh38, 1-based): chr19:55,154,142-55,154,147, CTCCGC duplicated on the plus strand (GCGGAG on the coding strand, the reverse complement: TNNI3 is on the minus strand). VCF-style (leftmost placement, unchanged base first): chr19-55154141-T-TCTCCGC. GRCh37 (hg19) VCF-style: chr19-55665509-T-TCTCCGC.
Identifiers: ClinVar variation 962897 (VCV000962897.9), dbSNP rs2085712282, ClinGen allele CA1139666607.